The following is an entry in ClinVar:

NM_006258.4(PRKG1):c.1928G>A (p.Arg643Lys)

Gene: PRKG1 (protein kinase cGMP-dependent 1; plus strand). Cytogenetic location: 10q21.1.
Variant type: single nucleotide variant.
Coding change: c.1928G>A on transcript NM_006258.4 (MANE Select); coding-DNA position 1928, G replaced by A.
Protein change: p.Arg643Lys; replaces arginine 643 with lysine.
Molecular consequence: missense variant.
Genome position (GRCh38, 1-based): chr10:52,290,256, G>A. VCF-style: chr10-52290256-G-A. GRCh37 (hg19) VCF-style: chr10-54050016-G-A.
Other names: c.1883G>A, p.Arg628Lys (LRG_1135t2, NM_001098512.3); c.1928G>A, p.Arg643Lys (LRG_1135t1); short protein forms R628K, R643K.
Identifiers: ClinVar variation 520133 (VCV000520133.16), dbSNP rs770812712, ClinGen allele CA5503974.
Genomic context (GRCh38, chr10:52,290,256, plus strand): 5'-TTTTTATCAACGTTTTTTCCTTTTCTAGATGGTTTGAGGGCTTTAACTGGGAAGGCTTAA[G>A]AAAAGGTACCTTGACACCTCCTATAATACCAAGTGTAAGTAGACTTTCCAGCTTATAATT-3'
Protein context (NP_006249.1, residues 633-653): WFEGFNWEGL[Arg643Lys]KGTLTPPIIP

ClinVar aggregate classification (germline): Conflicting classifications of pathogenicity. Review status: criteria provided, conflicting classifications (1 of 4 stars). 5 submissions from 5 submitters: Uncertain significance (3); Likely benign (1). 1 of the submissions does not count toward it. Last evaluated 2024-10-30.

Conditions:
Aortic aneurysm, familial thoracic 8 (AAT8). Identifiers: MedGen C3809513, MONDO:0014187, OMIM 615436.
Familial thoracic aortic aneurysm and aortic dissection (TAAD). Also called: Thoracic aortic aneurysms and dissections. Identifiers: Orphanet 91387, MedGen C4707243, MONDO:0019625.
PRKG1-related disorder. Also called: PRKG1-related condition.

Allele frequency attached by ClinVar (database versions not stated): TOPMed 0.00003; gnomAD exomes 0.00004 and 0.00017; gnomAD 0.00005 and 0.00006; ExAC 0.00006.
gnomAD v4.1: 255 of 1,612,910 alleles (0.016%); highest among the groups gnomAD compares: Non-Finnish European, 0.021%; no homozygotes.

Submissions (5):

Labcorp Genetics (formerly Invitae), Labcorp
Classification: Uncertain significance for Aortic aneurysm, familial thoracic 8. Last evaluated: 2024-10-30. Review status: criteria provided, single submitter. Criteria: Invitae Variant Classification Sherloc (09022015). Collection method: clinical testing. Allele origin: germline.
Comment: This sequence change replaces arginine, which is basic and polar, with lysine, which is basic and polar, at codon 643 of the PRKG1 protein (p.Arg643Lys). This variant is present in population databases (rs770812712, gnomAD 0.007%). This variant has not been reported in the literature in individuals affected with PRKG1-related conditions. ClinVar contains an entry for this variant (Variation ID: 520133). An algorithm developed to predict the effect of missense changes on protein structure and function (PolyPhen-2) suggests that this variant¬†is likely to be tolerated. In summary, the available evidence is currently insufficient to determine the role of this variant in disease. Therefore, it has been classified as a Variant of Uncertain Significance.

Ambry Genetics
Classification: Likely benign for Familial thoracic aortic aneurysm and aortic dissection. Last evaluated: 2024-06-12. Review status: criteria provided, single submitter. Criteria: Ambry Variant Classification Scheme 2023. Collection method: clinical testing. Allele origin: germline.

Women's Health and Genetics/Laboratory Corporation of America, LabCorp
Classification: Uncertain significance. Last evaluated: 2023-11-14. Review status: criteria provided, single submitter. Criteria: LabCorp Variant Classification Summary - May 2015. Collection method: clinical testing. Allele origin: germline.

Department of Pathology and Laboratory Medicine, Sinai Health System
Classification: Uncertain significance for Aortic aneurysm, familial thoracic 8. Last evaluated: 2022-08-05. Review status: criteria provided, single submitter. Criteria: ACMG Guidelines, 2015. Collection method: research. Allele origin: germline.

PreventionGenetics, part of Exact Sciences
Classification: Uncertain significance for PRKG1-related condition. Last evaluated: 2024-02-15. Review status: no assertion criteria provided. Collection method: clinical testing. Allele origin: germline. Not counted in ClinVar's aggregate classification.
Comment: The PRKG1 c.1928G>A variant is predicted to result in the amino acid substitution p.Arg643Lys. To our knowledge, this variant has not been reported in the literature. This variant is reported in 0.0070% of alleles in individuals of European (Non-Finnish) descent in gnomAD. At this time, the clinical significance of this variant is uncertain due to the absence of conclusive functional and genetic evidence.